The following is an entry in ClinVar:

ClinVar aggregate classification (germline): Uncertain significance. Review status: criteria provided, multiple submitters, no conflicts (2 of 4 stars). 2 submissions from 2 submitters: Uncertain significance (2). Last evaluated 2026-03-12.

Conditions:
Familial thoracic aortic aneurysm and aortic dissection (TAAD). Also called: Thoracic aortic aneurysms and dissections. Identifiers: Orphanet 91387, MedGen C4707243, MONDO:0019625.
Congenital contractural arachnodactyly (CCA). Also called: BEALS SYNDROME; Beals-Hecht syndrome; Arthrogryposis, distal, type 9. Identifiers: Orphanet 115, MedGen C0220668, MONDO:0007363, OMIM 121050.

Submissions (2):

Ambry Genetics
Classification: Uncertain significance for Familial thoracic aortic aneurysm and aortic dissection. Last evaluated: 2026-03-12. Review status: criteria provided, single submitter. Criteria: Ambry Variant Classification Scheme 2023. Collection method: clinical testing. Allele origin: germline.
Comment: The p.Y1004H variant (also known as c.3010T>C), located in coding exon 24 of the FBN2 gene, results from a T to C substitution at nucleotide position 3010. The tyrosine at codon 1004 is replaced by histidine, an amino acid with similar properties. This amino acid position is conserved. In addition, the in silico prediction for this alteration is inconclusive. Based on the available evidence, the clinical significance of this variant remains unclear.

Labcorp Genetics (formerly Invitae), Labcorp
Classification: Uncertain significance for Congenital contractural arachnodactyly. Last evaluated: 2022-02-25. Review status: criteria provided, single submitter. Criteria: Invitae Variant Classification Sherloc (09022015). Collection method: clinical testing. Allele origin: germline.
Comment: This sequence change replaces tyrosine, which is neutral and polar, with histidine, which is basic and polar, at codon 1004 of the FBN2 protein (p.Tyr1004His). This variant is not present in population databases (gnomAD no frequency). This variant has not been reported in the literature in individuals affected with FBN2-related conditions. Algorithms developed to predict the effect of missense changes on protein structure and function are either unavailable or do not agree on the potential impact of this missense change (SIFT: "Deleterious"; PolyPhen-2: "Benign"; Align-GVGD: "Class C0"). In summary, the available evidence is currently insufficient to determine the role of this variant in disease. Therefore, it has been classified as a Variant of Uncertain Significance.

NM_001999.4(FBN2):c.3010T>C (p.Tyr1004His)

Genes: FBN2 (fibrillin 2; minus strand), LOC126807501 (BRD4-independent group 4 enhancer GRCh37_chr5:127680731-127681930; plus strand). Cytogenetic location: 5q23.3.
Variant type: single nucleotide variant.
Coding change: c.3010T>C on transcript NM_001999.4 (MANE Select); coding-DNA position 3010, T replaced by C.
Protein change: p.Tyr1004His; replaces tyrosine 1004 with histidine.
Molecular consequence: missense variant.
Genome position (GRCh38, 1-based): chr5:128,345,564, A>G on the plus strand (T>C on the coding strand, the complement: FBN2 is on the minus strand). VCF-style: chr5-128345564-A-G. GRCh37 (hg19) VCF-style: chr5-127681256-A-G.
Other names: c.3010T>C (NM_001999.3); short protein forms Y1004H.
Identifiers: ClinVar variation 2164361 (VCV002164361.5), dbSNP rs1751154823, ClinGen allele CA360764334.